The following is an entry in ClinVar:

NM_004004.6(GJB2):c.223C>G (p.Arg75Gly)

Gene: GJB2 (gap junction protein beta 2; minus strand). Cytogenetic location: 13q12.11.
Variant type: single nucleotide variant.
Coding change: c.223C>G on transcript NM_004004.6 (MANE Select); coding-DNA position 223, C replaced by G.
Protein change: p.Arg75Gly; replaces arginine 75 with glycine.
Molecular consequence: missense variant.
Genome position (GRCh38, 1-based): chr13:20,189,359, G>C on the plus strand (C>G on the coding strand, the complement: GJB2 is on the minus strand). VCF-style: chr13-20189359-G-C. GRCh37 (hg19) VCF-style: chr13-20763498-G-C.
Other names: short protein forms R75G.
Identifiers: ClinVar variation 560666 (VCV000560666.2), dbSNP rs104894402, ClinGen allele CA387461587.

ClinVar aggregate classification (germline): Likely pathogenic. Review status: criteria provided, single submitter (1 of 4 stars). 2 submissions from 2 submitters: Likely pathogenic (1). 1 of the submissions does not count toward it. Last evaluated 2026-09-02.

Conditions:
GJB2-related disorder. Also called: GJB2-related condition; GJB2-related disorders. Identifiers: MedGen CN382183, MONDO:1060236.
Hearing loss. Identifiers: MedGen C3887873.

Submissions (2):

PreventionGenetics, part of Exact Sciences
Classification: Likely pathogenic for GJB2-related condition. Last evaluated: 2026-09-02. Review status: criteria provided, single submitter. Criteria: ACMG Guidelines, 2015. Collection method: clinical testing. Allele origin: germline.
Comment: The GJB2 c.223C>G variant is predicted to result in the amino acid substitution p.Arg75Gly. To our knowledge, this variant has not been reported in the literature or in a large population database (gnomAD), indicating this variant is rare. Other missense variants affecting the same amino acid residue (p.Arg75Trp, p.Arg75Gln, and p.Arg75Pro) have been reported in patients with deafness with hyperkeratosis (Richard et al. 1998. PubMed ID: 9856479; Lee et al. 2010. PubMed ID: 20890442; Pavithra et al. 2015. PubMed ID: 25393658; Tian et al. 2022. PubMed ID: 35938034). In vitro studies of the p.Arg75Trp and p.Arg75Gln variants demonstrated these variants impair gap junction function consistent with a dominant negative effect (Mani et al. 2008. PubMed ID: 18941476; Yum et al. 2010. PubMed ID: 20096356; Marziano et al. 2003. PubMed ID: 12668604). Taken together, the c.223C>G (p.Arg75Gly) variant is interpreted as likely pathogenic.

Clinical Molecular Genetics Laboratory, Johns Hopkins All Children's Hospital
Classification: Likely pathogenic for Hearing loss. Last evaluated: 2016-04-21. Review status: no assertion criteria provided. Collection method: clinical testing. Allele origin: germline. Affected: yes. Not counted in ClinVar's aggregate classification.